The following is an entry in ClinVar:

ClinVar aggregate classification (germline): Uncertain significance (0 of 4 stars; one submission).

Conditions:
NCOA1-related disorder. Also called: NCOA1-related condition.

Allele frequency attached by ClinVar (database versions not stated): ExAC 0.00001; gnomAD 0.00001; gnomAD exomes 0.00001; TOPMed 0.00002; ESP Exome Variant Server 0.00008.
gnomAD v4.1: 18 of 1,614,066 alleles (0.0011%); highest among the groups gnomAD compares: African/African-American, 0.0027%; no homozygotes.

Submission:

PreventionGenetics, part of Exact Sciences
Classification: Uncertain significance for NCOA1-related condition. Last evaluated: 2024-04-18. Review status: no assertion criteria provided. Collection method: clinical testing. Allele origin: germline.
Comment: The NCOA1 c.2951T>C variant is predicted to result in the amino acid substitution p.Met984Thr. This variant was reported in individuals with obesity, and in vitro studies suggested that the variant causes a reduction in NCOA1-induced expression of POMC (Yang et al. 2019. PubMed ID: 30979869; Cacciottolo et al. 2022. PMID: 35137184). This variant is reported in 0.0062% of alleles in individuals of African descent in gnomAD. Although we suspect this variant may be pathogenic, at this time, the clinical significance is uncertain due to the absence of conclusive functional and genetic evidence.

NM_003743.5(NCOA1):c.2951T>C (p.Met984Thr)

Gene: NCOA1 (nuclear receptor coactivator 1; plus strand). Cytogenetic location: 2p23.3.
Variant type: single nucleotide variant.
Coding change: c.2951T>C on transcript NM_003743.5 (MANE Select); coding-DNA position 2951, T replaced by C.
Protein change: p.Met984Thr; replaces methionine 984 with threonine.
Molecular consequence: missense variant.
Genome position (GRCh38, 1-based): chr2:24,729,565, T>C. VCF-style: chr2-24729565-T-C. GRCh37 (hg19) VCF-style: chr2-24952434-T-C.
Other names: c.2951T>C, p.Met984Thr (NM_001362950.1, NM_001362952.1, NM_001362954.1 and 3 more transcripts); short protein forms M984T.
Identifiers: ClinVar variation 3056125 (VCV003056125.2), dbSNP rs151084207, ClinGen allele CA1552539.
Genomic context (GRCh38, chr2:24,729,565, plus strand): 5'-GTGGATTAGATGTATTATCAGAGAGATTTCCACCACAACAAGCAACGCCACCTTTGATCA[T>C]GGAAGAAAGACCCAACCTTTATTCCCAGCCTTACTCTTCTCCTTCTCCTACTGCCAATCT-3'
Protein context (NP_003734.3, residues 974-994): PPQQATPPLI[Met984Thr]EERPNLYSQP